The following is an entry in ClinVar:

NM_001171.6(ABCC6):c.3910G>A (p.Gly1304Arg)

Gene: ABCC6 (ATP binding cassette subfamily C member 6; minus strand). Cytogenetic location: 16p13.11.
Variant type: single nucleotide variant.
Coding change: c.3910G>A on transcript NM_001171.6 (MANE Select); coding-DNA position 3910, G replaced by A.
Protein change: p.Gly1304Arg; replaces glycine 1304 with arginine.
Molecular consequence: missense variant. On other transcripts: non-coding transcript variant (4).
Genome position (GRCh38, 1-based): chr16:16,155,004, C>T on the plus strand (G>A on the coding strand, the complement: ABCC6 is on the minus strand). VCF-style: chr16-16155004-C-T. GRCh37 (hg19) VCF-style: chr16-16248861-C-T.
Other names: c.3568G>A, p.Gly1190Arg (NM_001351800.1); c.3877G>A, p.Gly1293Arg (NM_001440309.1); c.3742G>A, p.Gly1248Arg (NM_001440310.1); short protein forms G1190R, G1293R, G1304R, G1248R.
Identifiers: ClinVar variation 4745979 (VCV004745979.1).

ClinVar aggregate classification (germline): Pathogenic (1 of 4 stars; one submission).

gnomAD v4.1: 2 of 1,563,716 alleles (0.00013%); highest among the groups gnomAD compares: Non-Finnish European, 0.000087%; no homozygotes.

Submission:

Labcorp Genetics (formerly Invitae), Labcorp
Classification: Pathogenic. Last evaluated: 2025-06-04. Review status: criteria provided, single submitter. Criteria: Invitae Variant Classification Sherloc (09022015). Collection method: clinical testing. Allele origin: germline.
Comment: This sequence change replaces glycine, which is neutral and non-polar, with arginine, which is basic and polar, at codon 1304 of the ABCC6 protein (p.Gly1304Arg). This variant is not present in population databases (gnomAD no frequency). This missense change has been observed in individual(s) with clinical features of ABCC6-related conditions (internal data). In at least one individual the data is consistent with being in trans (on the opposite chromosome) from a pathogenic variant. Invitae Evidence Modeling of protein sequence and biophysical properties (such as structural, functional, and spatial information, amino acid conservation, physicochemical variation, residue mobility, and thermodynamic stability) indicates that this missense variant is expected to disrupt ABCC6 protein function with a positive predictive value of 95%. For these reasons, this variant has been classified as Pathogenic.